The following is an entry in ClinVar:

ClinVar aggregate classification (germline): Benign/Likely benign. Review status: criteria provided, multiple submitters, no conflicts (2 of 4 stars). 12 submissions from 12 submitters: Benign (8); Likely benign (1). 3 of the submissions do not count toward it. Last evaluated 2026-02-03.

Conditions:
FLNA-related disorder.
Heterotopia, periventricular, X-linked dominant (PVNH1). Also called: PERIVENTRICULAR NODULAR HETEROTOPIA 4; HETEROTOPIA, PERIVENTRICULAR, 1; PERIVENTRICULAR NODULAR HETEROTOPIA 1; X-linked periventricular heterotopia. Identifiers: Orphanet 2149, Orphanet 82004, MedGen C1848213, MONDO:0010233, OMIM 300049.
Melnick-Needles syndrome (MNS). Also called: Melnick-Needles Syndrome (FLNA-MNS); OSTEODYSPLASTY OF MELNICK AND NEEDLES; MELNICK-NEEDLES OSTEODYSPLASTY. Identifiers: Orphanet 2484, MedGen C0025237, MONDO:0010650, OMIM 309350.
Oto-palato-digital syndrome, type II (OPD2). Also called: Otopalatodigital Syndrome, Type II; Otopalatodigital Syndrome Type 2 (FLNA-OPD2); OPD II SYNDROME; FACIOPALATOOSSEOUS SYNDROME. Identifiers: Orphanet 669, Orphanet 90652, MedGen C1844696, MONDO:0010571, OMIM 304120.
Frontometaphyseal dysplasia (FMD1). Identifiers: Orphanet 1826, MedGen C0265293, MONDO:0015942.
Familial thoracic aortic aneurysm and aortic dissection (TAAD). Also called: Thoracic aortic aneurysms and dissections. Identifiers: Orphanet 91387, MedGen C4707243, MONDO:0019625.

Allele frequency attached by ClinVar (database versions not stated): ExAC 0.00086; ESP Exome Variant Server 0.00206; gnomAD 0.00213 and 0.00219; TOPMed 0.00225; 1000 Genomes Project 0.00238; 1000 Genomes Project 30x 0.00250.
gnomAD v4.1: 717 of 1,211,404 alleles (0.059%); highest among the groups gnomAD compares: African/African-American, 0.64%; 4 homozygotes.

Submissions (12):

Labcorp Genetics (formerly Invitae), Labcorp
Classification: Benign for Oto-palato-digital syndrome, type II; Heterotopia, periventricular, X-linked dominant; Frontometaphyseal dysplasia; Melnick-Needles syndrome. Last evaluated: 2026-02-03. Review status: criteria provided, single submitter. Criteria: Invitae Variant Classification Sherloc (09022015). Collection method: clinical testing. Allele origin: germline.

Mayo Clinic Laboratories, Mayo Clinic
Classification: Benign. Last evaluated: 2025-02-11. Review status: criteria provided, single submitter. Criteria: ACMG Guidelines, 2015. Collection method: clinical testing. Allele origin: germline. Observed: 9 variant alleles.
Comment: BS1, BS2, BP4, BP7

Blueprint Genetics
Classification: Likely benign. Last evaluated: 2024-11-21. Review status: criteria provided, single submitter. Criteria: ACMG Guidelines, 2015. Collection method: clinical testing. Allele origin: germline.

Women's Health and Genetics/Laboratory Corporation of America, LabCorp
Classification: Benign. Last evaluated: 2023-08-24. Review status: criteria provided, single submitter. Criteria: LabCorp Variant Classification Summary - May 2015. Collection method: clinical testing. Allele origin: germline.

ARUP Laboratories, Molecular Genetics and Genomics, ARUP Laboratories
Classification: Benign. Last evaluated: 2018-08-31. Review status: criteria provided, single submitter. Criteria: ARUP Molecular Germline Variant Investigation Process. Collection method: clinical testing. Allele origin: germline.

Ambry Genetics
Classification: Benign for Familial thoracic aortic aneurysm and aortic dissection. Last evaluated: 2015-12-02. Review status: criteria provided, single submitter. Criteria: Ambry Variant Classification Scheme 2023. Collection method: clinical testing. Allele origin: germline.

Eurofins Ntd Llc (ga)
Classification: Benign. Last evaluated: 2015-03-13. Review status: criteria provided, single submitter. Criteria: EGL Classification Definitions 2015. Collection method: clinical testing. Allele origin: germline. Observed: 1 variant allele, 1 hemizygote.

GeneDx
Classification: Benign. Last evaluated: 2014-10-30. Review status: criteria provided, single submitter. Criteria: GeneDx Variant Classification (06012015). Collection method: clinical testing. Allele origin: germline. Affected: yes.
Comment: This variant is considered likely benign or benign based on one or more of the following criteria: it is a conservative change, it occurs at a poorly conserved position in the protein, it is predicted to be benign by multiple in silico algorithms, and/or has population frequency not consistent with disease.

Breakthrough Genomics
Classification: Benign. Review status: criteria provided, single submitter. Criteria: ACMG Guidelines, 2015. Collection method: not provided. Allele origin: germline. Inheritance: X-linked inheritance. Affected: yes.

PreventionGenetics, part of Exact Sciences
Classification: Benign for FLNA-related condition. Last evaluated: 2019-05-20. Review status: no assertion criteria provided. Collection method: clinical testing. Allele origin: germline. Not counted in ClinVar's aggregate classification.
Comment: This variant is classified as benign based on ACMG/AMP sequence variant interpretation guidelines (Richards et al. 2015 PMID: 25741868, with internal and published modifications).

Clinical Genetics DNA and cytogenetics Diagnostics Lab, Erasmus MC, Erasmus Medical Center
Classification: Benign. Review status: no assertion criteria provided. Collection method: clinical testing. Allele origin: germline. Affected: yes. Study: VKGL Data-share Consensus. Not counted in ClinVar's aggregate classification.

Genome Diagnostics Laboratory, University Medical Center Utrecht
Classification: Likely benign. Review status: no assertion criteria provided. Collection method: clinical testing. Allele origin: germline. Affected: yes. Study: VKGL Data-share Consensus. Not counted in ClinVar's aggregate classification.

NM_001110556.2(FLNA):c.7686C>T (p.Ala2562=)

Genes: FLNA (filamin A; minus strand), LOC107988032 (Xq28 proximal FLNA-EMD recombination region; plus strand). Cytogenetic location: Xq28.
Variant type: single nucleotide variant.
Coding change: c.7686C>T on transcript NM_001110556.2 (MANE Select); coding-DNA position 7686, C replaced by T.
Protein change: p.Ala2562=; no amino-acid change (alanine 2562 retained).
Molecular consequence: synonymous variant.
Genome position (GRCh38, 1-based): chrX:154,349,432, G>A on the plus strand (C>T on the coding strand, the complement: FLNA is on the minus strand). VCF-style: chrX-154349432-G-A. GRCh37 (hg19) VCF-style: chrX-153577800-G-A.
Other names: p.A2554A:GCC>GCT; p.Ala2554=; c.7686C>T (NM_001110556.1); c.7662C>T, p.Ala2554= (NM_001456.4).
Identifiers: ClinVar variation 197542 (VCV000197542.35), dbSNP rs76337075, ClinGen allele CA303002.